The following is an entry in ClinVar:

ClinVar aggregate classification (germline): Conflicting classifications of pathogenicity. Review status: criteria provided, conflicting classifications (1 of 4 stars). 2 submissions from 2 submitters: Uncertain significance (1); Likely benign (1). Last evaluated 2025-03-30.

Conditions:
KBG syndrome (KBGS). Also called: ANKRD11-Related KBG Syndrome. Identifiers: Orphanet 2332, MedGen C0220687, MONDO:0007846, OMIM 148050.

gnomAD v4.1: 45 of 1,612,710 alleles (0.0028%); highest among the groups gnomAD compares: Non-Finnish European, 0.0037%; no homozygotes.

Submissions (2):

GeneDx
Classification: Likely benign. Last evaluated: 2025-03-30. Review status: criteria provided, single submitter. Criteria: GeneDx Variant Classification Process June 2021. Collection method: clinical testing. Allele origin: germline. Affected: yes.
Comment: See Variant Classification Assertion Criteria.

Labcorp Genetics (formerly Invitae), Labcorp
Classification: Uncertain significance for KBG syndrome. Last evaluated: 2025-02-24. Review status: criteria provided, single submitter. Criteria: Invitae Variant Classification Sherloc (09022015). Collection method: clinical testing. Allele origin: germline.
Comment: This sequence change replaces threonine, which is neutral and polar, with isoleucine, which is neutral and non-polar, at codon 1214 of the ANKRD11 protein (p.Thr1214Ile). This variant is present in population databases (rs752757557, gnomAD 0.002%). This variant has not been reported in the literature in individuals affected with ANKRD11-related conditions. Invitae Evidence Modeling of protein sequence and biophysical properties (such as structural, functional, and spatial information, amino acid conservation, physicochemical variation, residue mobility, and thermodynamic stability) indicates that this missense variant is not expected to disrupt ANKRD11 protein function with a negative predictive value of 95%. In summary, the available evidence is currently insufficient to determine the role of this variant in disease. Therefore, it has been classified as a Variant of Uncertain Significance.

NM_013275.6(ANKRD11):c.3641C>T (p.Thr1214Ile)

Gene: ANKRD11 (ankyrin repeat domain 11; minus strand). Cytogenetic location: 16q24.3.
Variant type: single nucleotide variant.
Coding change: c.3641C>T on transcript NM_013275.6 (MANE Select); coding-DNA position 3641, C replaced by T.
Protein change: p.Thr1214Ile; replaces threonine 1214 with isoleucine.
Molecular consequence: missense variant.
Genome position (GRCh38, 1-based): chr16:89,282,901, G>A on the plus strand (C>T on the coding strand, the complement: ANKRD11 is on the minus strand). VCF-style: chr16-89282901-G-A. GRCh37 (hg19) VCF-style: chr16-89349309-G-A.
Other names: c.3641C>T, p.Thr1214Ile (NM_001256182.2, NM_001256183.2); c.3641C>T (NM_013275.5); short protein forms T1214I.
Identifiers: ClinVar variation 3704994 (VCV003704994.3).
Genomic context (GRCh38, chr16:89,282,901, plus strand): 5'-TTTTTCTTATCTTGCGTGGAGTCCACTGAGGCTCTGTCCTTCCTGTCCTTGTACTTTTCT[G>A]TGGACTCTTTATCCTTCTTCTCCTTGTGCTTTTCAAAGACTTTCTCTTTTTTGTCTCTCC-3'
Protein context (NP_037407.4, residues 1204-1224): KHKEKKDKES[Thr1214Ile]EKYKDRKDRA